The following is an entry in ClinVar:

ClinVar aggregate classification (germline): Uncertain significance (1 of 4 stars; one submission).

Submission:

GeneDx
Classification: Uncertain significance. Last evaluated: 2022-07-05. Review status: criteria provided, single submitter. Criteria: GeneDx Variant Classification Process June 2021. Collection method: clinical testing. Allele origin: germline. Affected: yes.
Comment: Not observed at significant frequency in large population cohorts (gnomAD); In silico analysis supports that this missense variant does not alter protein structure/function; Has not been previously published as pathogenic or benign to our knowledge

NM_153689.6(C2orf69):c.320C>G (p.Pro107Arg)

Gene: C2orf69 (chromosome 2 open reading frame 69; plus strand). Cytogenetic location: 2q33.1.
Variant type: single nucleotide variant.
Coding change: c.320C>G on transcript NM_153689.6 (MANE Select); coding-DNA position 320, C replaced by G.
Protein change: p.Pro107Arg; replaces proline 107 with arginine.
Molecular consequence: missense variant.
Genome position (GRCh38, 1-based): chr2:199,911,758, C>G. VCF-style: chr2-199911758-C-G. GRCh37 (hg19) VCF-style: chr2-200776481-C-G.
Other names: short protein forms P107R.
Identifiers: ClinVar variation 1810519 (VCV001810519.1), dbSNP rs1486681700, ClinGen allele CA350225901.